The following is an entry in ClinVar:

NM_032444.4(SLX4):c.289G>A (p.Ala97Thr)

Gene: SLX4 (SLX4 structure-specific endonuclease subunit; minus strand). Cytogenetic location: 16p13.3.
Variant type: single nucleotide variant.
Coding change: c.289G>A on transcript NM_032444.4 (MANE Select); coding-DNA position 289, G replaced by A.
Protein change: p.Ala97Thr; replaces alanine 97 with threonine.
Molecular consequence: missense variant.
Genome position (GRCh38, 1-based): chr16:3,608,676, C>T on the plus strand (G>A on the coding strand, the complement: SLX4 is on the minus strand). VCF-style: chr16-3608676-C-T. GRCh37 (hg19) VCF-style: chr16-3658677-C-T.
Other names: short protein forms A97T.
Identifiers: ClinVar variation 847348 (VCV000847348.9), dbSNP rs2040813930, ClinGen allele CA394547537.

ClinVar aggregate classification (germline): Uncertain significance (1 of 4 stars; one submission).

Conditions:
Fanconi anemia (FA). Also called: Fanconi's anemia. Identifiers: Orphanet 84, MedGen C0015625, MeSH D005199, MONDO:0019391.

Allele frequency attached by ClinVar (database versions not stated): gnomAD exomes below 0.00001.
gnomAD v4.1: 1 of 1,614,196 alleles (0.000062%); highest among the groups gnomAD compares: Non-Finnish European, 0.000085%; no homozygotes.

Submission:

Labcorp Genetics (formerly Invitae), Labcorp
Classification: Uncertain significance for Fanconi anemia. Last evaluated: 2019-01-23. Review status: criteria provided, single submitter. Criteria: Invitae Variant Classification Sherloc (09022015). Collection method: clinical testing. Allele origin: germline.
Comment: In summary, the available evidence is currently insufficient to determine the role of this variant in disease. Therefore, it has been classified as a Variant of Uncertain Significance. Algorithms developed to predict the effect of missense changes on protein structure and function output the following: SIFT: "Tolerated"; PolyPhen-2: "Benign"; Align-GVGD: "Class C0". The threonine amino acid residue is found in multiple mammalian species, suggesting that this missense change does not adversely affect protein function. These predictions have not been confirmed by published functional studies and their clinical significance is uncertain. This variant has not been reported in the literature in individuals with SLX4-related conditions. This variant is not present in population databases (ExAC no frequency). This sequence change replaces alanine with threonine at codon 97 of the SLX4 protein (p.Ala97Thr). The alanine residue is weakly conserved and there is a small physicochemical difference between alanine and threonine.